The following is an entry in ClinVar:

NM_002474.3(MYH11):c.1805A>G (p.Asn602Ser)

Gene: MYH11 (myosin heavy chain 11; minus strand). Cytogenetic location: 16p13.11.
Variant type: single nucleotide variant.
Coding change: c.1805A>G on transcript NM_002474.3 (MANE Select); coding-DNA position 1805, A replaced by G.
Protein change: p.Asn602Ser; replaces asparagine 602 with serine.
Molecular consequence: missense variant.
Genome position (GRCh38, 1-based): chr16:15,753,453, T>C on the plus strand (A>G on the coding strand, the complement: MYH11 is on the minus strand). VCF-style: chr16-15753453-T-C. GRCh37 (hg19) VCF-style: chr16-15847310-T-C.
Other names: c.1805A>G (NM_002474.2); c.1826A>G, p.Asn609Ser (NM_001040113.2, NM_001040114.2); c.1805A>G, p.Asn602Ser (NM_022844.3); short protein forms N602S, N609S.
Identifiers: ClinVar variation 2919240 (VCV002919240.5), dbSNP rs777535864, ClinGen allele CA7922509.

ClinVar aggregate classification (germline): Uncertain significance. Review status: criteria provided, multiple submitters, no conflicts (2 of 4 stars). 3 submissions from 3 submitters: Uncertain significance (3). Last evaluated 2025-06-22.

Conditions:
Aortic aneurysm, familial thoracic 4 (AAT4). Also called: AORTIC ANEURYSM/AORTIC DISSECTION AND PATENT DUCTUS ARTERIOSUS. Identifiers: MedGen C1851504, MONDO:0007568, OMIM 132900.
Familial thoracic aortic aneurysm and aortic dissection (TAAD). Also called: Thoracic aortic aneurysms and dissections. Identifiers: Orphanet 91387, MedGen C4707243, MONDO:0019625.

Allele frequency attached by ClinVar (database versions not stated): gnomAD exomes 0.00001; TOPMed 0.00001; ExAC 0.00002.
gnomAD v4.1: 17 of 1,614,136 alleles (0.0011%); highest among the groups gnomAD compares: Admixed American, 0.0017%; no homozygotes.

Submissions (3):

Ambry Genetics
Classification: Uncertain significance for Familial thoracic aortic aneurysm and aortic dissection. Last evaluated: 2025-06-22. Review status: criteria provided, single submitter. Criteria: Ambry Variant Classification Scheme 2023. Collection method: clinical testing. Allele origin: germline.
Comment: The p.N602S variant (also known as c.1805A>G), located in coding exon 14 of the MYH11 gene, results from an A to G substitution at nucleotide position 1805. The asparagine at codon 602 is replaced by serine, an amino acid with highly similar properties. This amino acid position is conserved. In addition, this alteration is predicted to be tolerated by in silico analysis. Based on the available evidence, the clinical significance of this variant remains unclear.

Labcorp Genetics (formerly Invitae), Labcorp
Classification: Uncertain significance for Aortic aneurysm, familial thoracic 4. Last evaluated: 2023-08-15. Review status: criteria provided, single submitter. Criteria: Invitae Variant Classification Sherloc (09022015). Collection method: clinical testing. Allele origin: germline.
Comment: This variant is present in population databases (rs777535864, gnomAD 0.03%). In summary, the available evidence is currently insufficient to determine the role of this variant in disease. Therefore, it has been classified as a Variant of Uncertain Significance. Advanced modeling of protein sequence and biophysical properties (such as structural, functional, and spatial information, amino acid conservation, physicochemical variation, residue mobility, and thermodynamic stability) performed at Invitae indicates that this missense variant is not expected to disrupt MYH11 protein function. This variant has not been reported in the literature in individuals affected with MYH11-related conditions. This sequence change replaces asparagine, which is neutral and polar, with serine, which is neutral and polar, at codon 609 of the MYH11 protein (p.Asn609Ser).

Blueprint Genetics
Classification: Uncertain significance. Last evaluated: 2021-08-25. Review status: criteria provided, single submitter. Criteria: ACMG Guidelines, 2015. Collection method: clinical testing. Allele origin: germline.